The following is an entry in ClinVar:

NM_006922.4(SCN3A):c.152C>T (p.Pro51Leu)

Gene: SCN3A (sodium voltage-gated channel alpha subunit 3; minus strand). Cytogenetic location: 2q24.3.
Variant type: single nucleotide variant.
Coding change: c.152C>T on transcript NM_006922.4 (MANE Select); coding-DNA position 152, C replaced by T.
Protein change: p.Pro51Leu; replaces proline 51 with leucine.
Molecular consequence: missense variant.
Genome position (GRCh38, 1-based): chr2:165,176,243, G>A on the plus strand (C>T on the coding strand, the complement: SCN3A is on the minus strand). VCF-style: chr2-165176243-G-A. GRCh37 (hg19) VCF-style: chr2-166032753-G-A.
Other names: c.152C>T, p.Pro51Leu (NM_001081676.2, NM_001081677.2); short protein forms P51L.
Identifiers: ClinVar variation 521703 (VCV000521703.10), dbSNP rs1399602856, ClinGen allele CA349240946.

ClinVar aggregate classification (germline): Uncertain significance. Review status: criteria provided, multiple submitters, no conflicts (2 of 4 stars). 4 submissions from 4 submitters: Uncertain significance (4). Last evaluated 2025-05-20.

Conditions:
Inborn genetic diseases. Identifiers: MedGen C0950123, MeSH D030342.

Allele frequency attached by ClinVar (database versions not stated): TOPMed below 0.00001; gnomAD 0.00001; gnomAD exomes below 0.00001.
gnomAD v4.1: 2 of 1,613,336 alleles (0.00012%); highest among the groups gnomAD compares: African/African-American, 0.0013%; no homozygotes.

Submissions (4):

Dasa
Classification: Uncertain significance. Last evaluated: 2025-05-20. Review status: criteria provided, single submitter. Criteria: DASA Assertion Criteria. Collection method: clinical testing. Allele origin: germline.
Comment: NM_006922.4(SCN3A):c.152C>T (p.Pro51Leu) is a missense variant that results in the substitution of proline with leucine. This variant is rare in population databases. The currently available literature and clinical evidence are not sufficient to establish a definitive association between this variant and the reported condition. Therefore, this variant is classified as a variant of uncertain significance.

Labcorp Genetics (formerly Invitae), Labcorp
Classification: Uncertain significance. Last evaluated: 2025-03-25. Review status: criteria provided, single submitter. Criteria: Invitae Variant Classification Sherloc (09022015). Collection method: clinical testing. Allele origin: germline.
Comment: This sequence change replaces proline, which is neutral and non-polar, with leucine, which is neutral and non-polar, at codon 51 of the SCN3A protein (p.Pro51Leu). This variant is not present in population databases (gnomAD no frequency). This variant has not been reported in the literature in individuals affected with SCN3A-related conditions. ClinVar contains an entry for this variant (Variation ID: 521703). Invitae Evidence Modeling of protein sequence and biophysical properties (such as structural, functional, and spatial information, amino acid conservation, physicochemical variation, residue mobility, and thermodynamic stability) has been performed for this missense variant. However, the output from this modeling did not meet the statistical confidence thresholds required to predict the impact of this variant on SCN3A protein function. In summary, the available evidence is currently insufficient to determine the role of this variant in disease. Therefore, it has been classified as a Variant of Uncertain Significance.

GeneDx
Classification: Uncertain significance. Last evaluated: 2024-09-23. Review status: criteria provided, single submitter. Criteria: GeneDx Variant Classification Process June 2021. Collection method: clinical testing. Allele origin: germline. Affected: yes.
Comment: Not observed at significant frequency in large population cohorts (gnomAD); In silico analysis supports that this missense variant has a deleterious effect on protein structure/function; Has not been previously published as pathogenic or benign to our knowledge

Ambry Genetics
Classification: Uncertain significance for Inborn genetic diseases. Last evaluated: 2017-04-17. Review status: criteria provided, single submitter. Criteria: Ambry exome assertion method (8-5-2015). Collection method: clinical testing. Allele origin: germline. Affected: yes. Observed: 1 variant allele.